The following is an entry in ClinVar:

ClinVar aggregate classification (germline): Likely benign. Review status: criteria provided, single submitter (1 of 4 stars). 2 submissions from 2 submitters: Likely benign (1). 1 of the submissions does not count toward it. Last evaluated 2024-10-25.

Conditions:
SETD2-related disorder.
Luscan-Lumish syndrome. Identifiers: Orphanet 597738, MedGen C4085873, MONDO:0014791, OMIM 616831.

Allele frequency attached by ClinVar (database versions not stated): gnomAD 0.00013; TOPMed 0.00013; ESP Exome Variant Server 0.00023.
gnomAD v4.1: 305 of 1,613,898 alleles (0.019%); highest among the groups gnomAD compares: Admixed American, 0.05%; no homozygotes.

Submissions (2):

Labcorp Genetics (formerly Invitae), Labcorp
Classification: Likely benign for Luscan-Lumish syndrome. Last evaluated: 2024-10-25. Review status: criteria provided, single submitter. Criteria: Invitae Variant Classification Sherloc (09022015). Collection method: clinical testing. Allele origin: germline.

PreventionGenetics, part of Exact Sciences
Classification: Likely benign for SETD2-related condition. Last evaluated: 2019-03-07. Review status: no assertion criteria provided. Collection method: clinical testing. Allele origin: germline. Not counted in ClinVar's aggregate classification.
Comment: This variant is classified as likely benign based on ACMG/AMP sequence variant interpretation guidelines (Richards et al. 2015 PMID: 25741868, with internal and published modifications).

NM_014159.7(SETD2):c.2730A>G (p.Ala910=)

Gene: SETD2 (SET domain containing 2, histone lysine methyltransferase; minus strand). Cytogenetic location: 3p21.31.
Variant type: single nucleotide variant.
Coding change: c.2730A>G on transcript NM_014159.7 (MANE Select); coding-DNA position 2730, A replaced by G.
Protein change: p.Ala910=; no amino-acid change (alanine 910 retained).
Molecular consequence: synonymous variant. On other transcripts: non-coding transcript variant (1).
Genome position (GRCh38, 1-based): chr3:47,121,906, T>C on the plus strand (A>G on the coding strand, the complement: SETD2 is on the minus strand). VCF-style: chr3-47121906-T-C. GRCh37 (hg19) VCF-style: chr3-47163396-T-C.
Other names: c.2598A>G, p.Ala866= (NM_001349370.3).
Identifiers: ClinVar variation 475503 (VCV000475503.12), dbSNP rs377041426, ClinGen allele CA2363494.